The following is an entry in ClinVar:

NM_025179.4(PLXNA2):c.3736G>A (p.Gly1246Ser)

Gene: PLXNA2 (plexin A2; minus strand). Cytogenetic location: 1q32.2.
Variant type: single nucleotide variant.
Coding change: c.3736G>A on transcript NM_025179.4 (MANE Select); coding-DNA position 3736, G replaced by A.
Protein change: p.Gly1246Ser; replaces glycine 1246 with serine.
Molecular consequence: missense variant.
Genome position (GRCh38, 1-based): chr1:208,044,646, C>T on the plus strand (G>A on the coding strand, the complement: PLXNA2 is on the minus strand). VCF-style: chr1-208044646-C-T. GRCh37 (hg19) VCF-style: chr1-208217991-C-T.
Other names: short protein forms G1246S.
Identifiers: ClinVar variation 2344240 (VCV002344240.3), dbSNP rs368220019, ClinGen allele CA1373081.
Genomic context (GRCh38, chr1:208,044,646, plus strand): 5'-CTCGAGACTTGCGCTTGTAGGCAATGAGGACGATGATGACGATGATGAGGAGGAGGCTGC[C>T]GCCGGCCGCGATGCTGACGATGGCTGGCAGGGTCAGCAAGCTGTCTGAGATGACACTCAC-3'
Protein context (NP_079455.3, residues 1236-1256): LPAIVSIAAG[Gly1246Ser]SLLLIIVIIV

ClinVar aggregate classification (germline): Uncertain significance. Review status: criteria provided, single submitter (1 of 4 stars). 2 submissions from 2 submitters: Uncertain significance (1). 1 of the submissions does not count toward it. Last evaluated 2022-12-13.

Conditions:
PLXNA2-related disorder. Also called: PLXNA2-related condition.

Allele frequency attached by ClinVar (database versions not stated): gnomAD exomes 0.00001; TOPMed 0.00001; ExAC 0.00002; ESP Exome Variant Server 0.00008.

Submissions (2):

Ambry Genetics
Classification: Uncertain significance. Last evaluated: 2022-12-13. Review status: criteria provided, single submitter. Criteria: Ambry Variant Classification Scheme 2023. Collection method: clinical testing. Allele origin: germline.

PreventionGenetics, part of Exact Sciences
Classification: Uncertain significance for PLXNA2-related condition. Last evaluated: 2024-08-07. Review status: no assertion criteria provided. Collection method: clinical testing. Allele origin: germline. Not counted in ClinVar's aggregate classification.
Comment: The PLXNA2 c.3736G>A variant is predicted to result in the amino acid substitution p.Gly1246Ser. To our knowledge, this variant has not been reported in the literature. This variant is reported in 0.0026% of alleles in individuals of European (Non-Finnish) descent in gnomAD. At this time, the clinical significance of this variant is uncertain due to the absence of conclusive functional and genetic evidence.